The following is an entry in ClinVar:

NM_000161.3(GCH1):c.694G>C (p.Gly232Arg)

Gene: GCH1 (GTP cyclohydrolase 1; minus strand). Cytogenetic location: 14q22.2.
Variant type: single nucleotide variant.
Coding change: c.694G>C on transcript NM_000161.3 (MANE Select); coding-DNA position 694, G replaced by C.
Protein change: p.Gly232Arg; replaces glycine 232 with arginine.
Molecular consequence: missense variant. On other transcripts: intron variant (2).
Genome position (GRCh38, 1-based): chr14:54,844,076, C>G on the plus strand (G>C on the coding strand, the complement: GCH1 is on the minus strand). VCF-style: chr14-54844076-C-G. GRCh37 (hg19) VCF-style: chr14-55310794-C-G.
Other names: c.694G>C (NM_000161.2); c.694G>C, p.Gly232Arg (NM_001024024.2); c.627-1022G>C (NM_001024071.2); c.627-207G>C (NM_001024070.2); short protein forms G232R.
Identifiers: ClinVar variation 2011764 (VCV002011764.6), dbSNP rs2504336491, ClinGen allele CA389787052.
Genomic context (GRCh38, chr14:54,844,076, plus strand): 5'-CTCAGCTCCTAATGAGAGTCAGGAACTCTTCCCGAGTCTTTGGATCCTCCCGGAACACAC[C>G]CAACATTGTGCTGGTCACAGTTTTGCTGTTCATTTTCTGTACACCTCGCATTACCATACA-3'
Protein context (NP_000152.1, residues 222-242): NSKTVTSTML[Gly232Arg]VFREDPKTRE

ClinVar aggregate classification (germline): Uncertain significance. Review status: criteria provided, multiple submitters, no conflicts (2 of 4 stars). 3 submissions from 3 submitters: Uncertain significance (3). Last evaluated 2025-07-07.

Conditions:
GTP cyclohydrolase I deficiency. Identifiers: MedGen C0268467, MONDO:0100184.
Dystonia 5 (DRD). Also called: Dystonia, DOPA-responsive, with or without hyperphenylalaninemia; DYT-GCH1; DYSTONIA, PROGRESSIVE, WITH DIURNAL VARIATION; DYSTONIA-PARKINSONISM WITH DIURNAL FLUCTUATION; GTP Cyclohydrolase 1-Deficient Dopa-Responsive Dystonia. Identifiers: Orphanet 98808, MedGen C1851920, MONDO:0007495, OMIM 128230.

Submissions (3):

Athena Diagnostics
Classification: Uncertain significance. Last evaluated: 2025-07-07. Review status: criteria provided, single submitter. Criteria: Athena Diagnostics Criteria. Collection method: clinical testing. Allele origin: unknown.
Comment: Available data are insufficient to determine the clinical significance of the variant at this time. This variant has not been reported in large, multi-ethnic general populations. Polyphen and MutationTaster predict this amino acid change may be damaging to the protein.

GeneDx
Classification: Uncertain significance. Last evaluated: 2022-12-19. Review status: criteria provided, single submitter. Criteria: GeneDx Variant Classification Process June 2021. Collection method: clinical testing. Allele origin: germline. Affected: yes.
Comment: Not observed at significant frequency in large population cohorts (gnomAD); In silico analysis supports that this missense variant has a deleterious effect on protein structure/function; Has not been previously published as pathogenic or benign to our knowledge

Labcorp Genetics (formerly Invitae), Labcorp
Classification: Uncertain significance for GTP cyclohydrolase I deficiency; Dystonia 5. Last evaluated: 2022-06-28. Review status: criteria provided, single submitter. Criteria: Invitae Variant Classification Sherloc (09022015). Collection method: clinical testing. Allele origin: germline.
Comment: In summary, the available evidence is currently insufficient to determine the role of this variant in disease. Therefore, it has been classified as a Variant of Uncertain Significance. Advanced modeling of protein sequence and biophysical properties (such as structural, functional, and spatial information, amino acid conservation, physicochemical variation, residue mobility, and thermodynamic stability) performed at Invitae indicates that this missense variant is expected to disrupt GCH1 protein function. This variant has not been reported in the literature in individuals affected with GCH1-related conditions. This variant is not present in population databases (gnomAD no frequency). This sequence change replaces glycine, which is neutral and non-polar, with arginine, which is basic and polar, at codon 232 of the GCH1 protein (p.Gly232Arg).